The following is an entry in ClinVar:

NM_001458.5(FLNC):c.316T>G (p.Phe106Val)

Gene: FLNC (filamin C; plus strand). Cytogenetic location: 7q32.1.
Variant type: single nucleotide variant.
Coding change: c.316T>G on transcript NM_001458.5 (MANE Select); coding-DNA position 316, T replaced by G.
Protein change: p.Phe106Val; replaces phenylalanine 106 with valine.
Molecular consequence: missense variant.
Genome position (GRCh38, 1-based): chr7:128,830,953, T>G. VCF-style: chr7-128830953-T-G. GRCh37 (hg19) VCF-style: chr7-128471007-T-G.
Other names: c.316T>G, p.Phe106Val (NM_001127487.2); short protein forms F106V.
Identifiers: ClinVar variation 3756700 (VCV003756700.2).

ClinVar aggregate classification (germline): Uncertain significance (1 of 4 stars; one submission).

Conditions:
Distal myopathy with posterior leg and anterior hand involvement. Also called: WILLIAMS DISTAL MYOPATHY. Identifiers: Orphanet 63273, MedGen C3279722, MONDO:0013550, OMIM 614065.
Hypertrophic cardiomyopathy 26. Also called: Cardiomyopathy, familial hypertrophic, 26. Identifiers: Orphanet 75249, MedGen C4310749, MONDO:0014883, OMIM 617047.
Myofibrillar myopathy 5. Also called: Filaminopathy (type); FILAMINOPATHY, AUTOSOMAL DOMINANT. Identifiers: Orphanet 171445, MedGen C1836050, MONDO:0012289, OMIM 609524.

Submission:

Labcorp Genetics (formerly Invitae), Labcorp
Classification: Uncertain significance for Distal myopathy with posterior leg and anterior hand involvement; Myofibrillar myopathy 5; Hypertrophic cardiomyopathy 26. Last evaluated: 2024-06-05. Review status: criteria provided, single submitter. Criteria: Invitae Variant Classification Sherloc (09022015). Collection method: clinical testing. Allele origin: germline.
Comment: This sequence change replaces phenylalanine, which is neutral and non-polar, with valine, which is neutral and non-polar, at codon 106 of the FLNC protein (p.Phe106Val). This variant is not present in population databases (gnomAD no frequency). This missense change has been observed in individual(s) with FLNC-related conditions (Invitae). Advanced modeling of protein sequence and biophysical properties (such as structural, functional, and spatial information, amino acid conservation, physicochemical variation, residue mobility, and thermodynamic stability) has been performed at Invitae for this missense variant, however the output from this modeling did not meet the statistical confidence thresholds required to predict the impact of this variant on FLNC protein function. In summary, the available evidence is currently insufficient to determine the role of this variant in disease. Therefore, it has been classified as a Variant of Uncertain Significance.